The following is an entry in ClinVar:

ClinVar aggregate classification (germline): Uncertain significance. Review status: criteria provided, multiple submitters, no conflicts (2 of 4 stars). 3 submissions from 3 submitters: Uncertain significance (3). Last evaluated 2023-12-05.

Conditions:
Hereditary nonpolyposis colorectal neoplasms. Identifiers: MedGen C0009405, MeSH D003123.
Hereditary cancer-predisposing syndrome. Also called: Neoplastic Syndromes, Hereditary; Tumor predisposition; Hereditary Cancer Syndrome; Hereditary neoplastic syndrome. Identifiers: Orphanet 140162, MedGen C0027672, MeSH D009386, MONDO:0015356.

Submissions (3):

Color Diagnostics, LLC DBA Color Health
Classification: Uncertain significance for Hereditary cancer-predisposing syndrome. Last evaluated: 2023-12-05. Review status: criteria provided, single submitter. Criteria: ACMG Guidelines, 2015. Collection method: clinical testing. Allele origin: germline.
Comment: This missense variant replaces alanine with threonine at codon 129 of the PMS2 protein. Computational prediction suggests that this variant may not impact protein structure and function (internally defined REVEL score threshold <= 0.5, PMID: 27666373). To our knowledge, functional studies have not been reported for this variant. This variant has not been reported in individuals affected with PMS2-related disorders in the literature. This variant has not been identified in the general population by the Genome Aggregation Database (gnomAD). The available evidence is insufficient to determine the role of this variant in disease conclusively. Therefore, this variant is classified as a Variant of Uncertain Significance.

Ambry Genetics
Classification: Uncertain significance for Hereditary cancer-predisposing syndrome. Last evaluated: 2021-03-22. Review status: criteria provided, single submitter. Criteria: Ambry Variant Classification Scheme 2023. Collection method: clinical testing. Allele origin: germline.
Comment: The p.A129T variant (also known as c.385G>A), located in coding exon 5 of the PMS2 gene, results from a G to A substitution at nucleotide position 385. The alanine at codon 129 is replaced by threonine, an amino acid with similar properties. This amino acid position is poorly conserved in available vertebrate species. In addition, this alteration is predicted to be tolerated by in silico analysis. Since supporting evidence is limited at this time, the clinical significance of this alteration remains unclear.

Labcorp Genetics (formerly Invitae), Labcorp
Classification: Uncertain significance for Hereditary nonpolyposis colorectal neoplasms. Last evaluated: 2019-11-13. Review status: criteria provided, single submitter. Criteria: Invitae Variant Classification Sherloc (09022015). Collection method: clinical testing. Allele origin: germline.
Comment: Algorithms developed to predict the effect of missense changes on protein structure and function (SIFT, PolyPhen-2, Align-GVGD) all suggest that this variant is likely to be tolerated, but these predictions have not been confirmed by published functional studies and their clinical significance is uncertain. In summary, the available evidence is currently insufficient to determine the role of this variant in disease. Therefore, it has been classified as a Variant of Uncertain Significance. This variant has not been reported in the literature in individuals with PMS2-related conditions. This variant is not present in population databases (ExAC no frequency). This sequence change replaces alanine with threonine at codon 129 of the PMS2 protein (p.Ala129Thr). The alanine residue is moderately conserved and there is a small physicochemical difference between alanine and threonine.

NM_000535.7(PMS2):c.385G>A (p.Ala129Thr)

Gene: PMS2 (PMS1 homolog 2, mismatch repair system component; minus strand). Cytogenetic location: 7p22.1.
Variant type: single nucleotide variant.
Coding change: c.385G>A on transcript NM_000535.7 (MANE Select); coding-DNA position 385, G replaced by A.
Protein change: p.Ala129Thr; replaces alanine 129 with threonine.
Molecular consequence: missense variant. On other transcripts: 5 prime UTR variant (8), non-coding transcript variant (1).
Genome position (GRCh38, 1-based): chr7:6,002,605, C>T on the plus strand (G>A on the coding strand, the complement: PMS2 is on the minus strand). VCF-style: chr7-6002605-C-T. GRCh37 (hg19) VCF-style: chr7-6042236-C-T.
Other names: c.-21G>A (NM_001322003.2, NM_001322004.2, NM_001322005.2 and 3 more transcripts); c.385G>A, p.Ala129Thr (NM_001322006.2, NM_001322014.2); c.67G>A, p.Ala23Thr (NM_001322007.2, NM_001322008.2); c.-500G>A (NM_001322011.2, NM_001322012.2); c.76G>A, p.Ala26Thr (NM_001322015.2); short protein forms A129T, A23T, A26T.
Identifiers: ClinVar variation 926378 (VCV000926378.16), dbSNP rs1785227712, ClinGen allele CA366744456.
Genomic context (GRCh38, chr7:6,002,605, plus strand): 5'-AGGGGGTTTTCTGGATAATTTTCCCATTGTGATCAAACATCAGTCGAGTTCCAACCTTCG[C>T]CGATGCGTGGCAGGTAGAAATGGTGACATCGCTGTGAGAGAATACCAGGCATGGTGTGTT-3'
Protein context (NP_000526.2, residues 119-139): DVTISTCHAS[Ala129Thr]KVGTRLMFDH